The following is an entry in ClinVar:

ClinVar aggregate classification (germline): Uncertain significance. Review status: criteria provided, multiple submitters, no conflicts (2 of 4 stars). 2 submissions from 2 submitters: Uncertain significance (2). Last evaluated 2025-04-07.

Conditions:
Autosomal dominant nonsyndromic hearing loss 2A. Also called: Autosomal dominant nonsyndromic deafness 2A; DFNA2 Nonsyndromic Hearing Loss; Deafness, autosomal dominant 2A. Identifiers: Orphanet 90635, MedGen C2677637, MONDO:0010817, OMIM 600101.

Allele frequency attached by ClinVar (database versions not stated): gnomAD 0.00001; gnomAD exomes 0.00001.
gnomAD v4.1: 13 of 1,372,806 alleles (0.00095%); highest among the groups gnomAD compares: South Asian, 0.015%; no homozygotes.

Submissions (2):

Medgenome Labs Ltd
Classification: Uncertain significance for Autosomal dominant nonsyndromic hearing loss 2A. Last evaluated: 2025-04-07. Review status: criteria provided, single submitter. Criteria: ACMG Guidelines, 2015. Collection method: clinical testing. Allele origin: de novo. Affected: yes.

GeneDx
Classification: Uncertain significance. Last evaluated: 2020-04-02. Review status: criteria provided, single submitter. Criteria: GeneDx Variant Classification Process June 2021. Collection method: clinical testing. Allele origin: germline. Affected: yes.
Comment: Not observed at a significant frequency in large population cohorts (Lek et al., 2016); In silico analysis supports that this missense variant does not alter protein structure/function; Has not been previously published as pathogenic or benign to our knowledge

NM_004700.4(KCNQ4):c.155T>A (p.Leu52Gln)

Gene: KCNQ4 (potassium voltage-gated channel subfamily Q member 4; plus strand). Cytogenetic location: 1p34.2.
Variant type: single nucleotide variant.
Coding change: c.155T>A on transcript NM_004700.4 (MANE Select); coding-DNA position 155, T replaced by A.
Protein change: p.Leu52Gln; replaces leucine 52 with glutamine.
Molecular consequence: missense variant.
Genome position (GRCh38, 1-based): chr1:40,784,248, T>A. VCF-style: chr1-40784248-T-A. GRCh37 (hg19) VCF-style: chr1-41249920-T-A.
Other names: c.155T>A, p.Leu52Gln (NM_172163.3); short protein forms L52Q.
Identifiers: ClinVar variation 1218070 (VCV001218070.4), dbSNP rs1323003883, ClinGen allele CA339885169.